The following is an entry in ClinVar:

ClinVar aggregate classification (germline): Uncertain significance (1 of 4 stars; one submission).

gnomAD v4.1: 10 of 1,613,306 alleles (0.00062%); highest among the groups gnomAD compares: East Asian, 0.0067%; no homozygotes.

Submission:

GeneDx
Classification: Uncertain significance. Last evaluated: 2024-12-10. Review status: criteria provided, single submitter. Criteria: GeneDx Variant Classification Process June 2021. Collection method: clinical testing. Allele origin: germline. Affected: yes.
Comment: In silico analysis supports that this missense variant has a deleterious effect on protein structure/function; Has not been previously published as pathogenic or benign to our knowledge

NM_030962.4(SBF2):c.4484A>G (p.Tyr1495Cys)

Genes: SBF2 (SET binding factor 2; minus strand), SBF2-AS1 (SBF2 antisense RNA 1; plus strand). Cytogenetic location: 11p15.4.
Variant type: single nucleotide variant.
Coding change: c.4484A>G on transcript NM_030962.4 (MANE Select); coding-DNA position 4484, A replaced by G.
Protein change: p.Tyr1495Cys; replaces tyrosine 1495 with cysteine.
Molecular consequence: missense variant.
Genome position (GRCh38, 1-based): chr11:9,795,917, T>C on the plus strand (A>G on the coding strand, the complement: SBF2 is on the minus strand). VCF-style: chr11-9795917-T-C. GRCh37 (hg19) VCF-style: chr11-9817464-T-C.
Other names: c.4580A>G, p.Tyr1527Cys (NM_001386339.1); c.4355A>G, p.Tyr1452Cys (NM_001386342.1); c.4520A>G, p.Tyr1507Cys (NM_001424318.1, NM_001425070.1); c.4379A>G, p.Tyr1460Cys (NM_001425069.1); short protein forms Y1452C, Y1460C, Y1495C, Y1507C, Y1527C.
Identifiers: ClinVar variation 3902850 (VCV003902850.1).